The following is an entry in ClinVar:

ClinVar aggregate classification (germline): Uncertain significance (1 of 4 stars; one submission).

Conditions:
Hereditary cancer-predisposing syndrome. Also called: Neoplastic Syndromes, Hereditary; Tumor predisposition; Hereditary neoplastic syndrome; Hereditary Cancer Syndrome. Identifiers: Orphanet 140162, MedGen C0027672, MeSH D009386, MONDO:0015356.

Submission:

Labcorp Genetics (formerly Invitae), Labcorp
Classification: Uncertain significance for Hereditary cancer-predisposing syndrome. Last evaluated: 2024-04-09. Review status: criteria provided, single submitter. Criteria: Invitae Variant Classification Sherloc (09022015). Collection method: clinical testing. Allele origin: germline.
Comment: This variant, c.3723_3725dup, results in the insertion of 1 amino acid(s) of the RAD50 protein (p.Ile1242dup), but otherwise preserves the integrity of the reading frame. This variant is not present in population databases (gnomAD no frequency). This variant has not been reported in the literature in individuals affected with RAD50-related conditions. In summary, the available evidence is currently insufficient to determine the role of this variant in disease. Therefore, it has been classified as a Variant of Uncertain Significance.

NM_005732.4(RAD50):c.3723_3725dup (p.Ile1242_Glu1243insIle)

Genes: RAD50 (RAD50 double strand break repair protein; plus strand), TH2LCRR (T helper type 2 locus control region associated RNA; minus strand), TH2-LCR (Th2 cytokine locus control region; plus strand). Cytogenetic location: 5q31.1.
Variant type: Duplication.
Coding change: c.3723_3725dup on transcript NM_005732.4 (MANE Select); coding-DNA positions 3723 to 3725, 3 bases duplicated (CAT; older notation c.3723_3725dupCAT).
Protein change: p.Ile1242_Glu1243insIle.
Genome position (GRCh38, 1-based): chr5:132,640,776-132,640,778, CAT duplicated. VCF-style (leftmost placement, unchanged base first): chr5-132640775-A-ACAT. GRCh37 (hg19) VCF-style: chr5-131976467-A-ACAT.
Identifiers: ClinVar variation 3649313 (VCV003649313.2).